The following is an entry in ClinVar:

NM_001079802.2(FKTN):c.*1249C>T

Gene: FKTN (fukutin; plus strand). Cytogenetic location: 9q31.2.
Variant type: single nucleotide variant.
Coding change: c.*1249C>T on transcript NM_001079802.2 (MANE Select); 1249 bases downstream of the stop codon, C replaced by T.
Molecular consequence: 3 prime UTR variant. On other transcripts: non-coding transcript variant (2), intron variant (1).
Genome position (GRCh38, 1-based): chr9:105,636,513, C>T. VCF-style: chr9-105636513-C-T. GRCh37 (hg19) VCF-style: chr9-108398794-C-T.
Other names: c.*1249C>T (NM_001351496.2, NM_001351497.2, NM_001351499.2 and 4 more transcripts); c.*1427C>T (NM_001351498.2); c.1270+1365C>T (NM_001198963.2).
Identifiers: ClinVar variation 364499 (VCV000364499.5), dbSNP rs79589823, ClinGen allele CA10626181.

ClinVar aggregate classification (germline): Conflicting classifications of pathogenicity. Review status: criteria provided, conflicting classifications (1 of 4 stars). 2 submissions from 1 submitter: Uncertain significance (1); Likely benign (1). Last evaluated 2018-01-13.

Conditions:
Muscular dystrophy-dystroglycanopathy (congenital with brain and eye anomalies), type A, 4 (MDDGA4). Also called: WALKER-WARBURG SYNDROME OR MUSCLE-EYE-BRAIN DISEASE, FKTN-RELATED; Walker-Warburg Syndrome, Fktn-Related; Congenital muscular dystrophy-dystroglycanopathy with brain and eye anomalies, type A4; Muscular dystrophy, congenital progressive, with mental retardation; Muscular dystrophy, congenital, with central nervous system involvement; Cerebromuscular dystrophy, Fukuyama type. Identifiers: Orphanet 272, Orphanet 588, Orphanet 899, MedGen C0410174, MONDO:0009678, OMIM 253800.
Dilated cardiomyopathy 1X (CMD1X). Also called: FKTN-Related Dilated Cardiomyopathy; CARDIOMYOPATHY, DILATED, WITH MILD OR NO PROXIMAL MUSCLE WEAKNESS. Identifiers: Orphanet 154, MedGen C1969024, MONDO:0012704, OMIM 611615.

Allele frequency attached by ClinVar (database versions not stated): gnomAD exomes 0.00011; gnomAD 0.00039 and 0.00056; TOPMed 0.00043; 1000 Genomes Project 30x 0.00359; 1000 Genomes Project 0.00399.
gnomAD v4.1: 203 of 1,041,400 alleles (0.019%); highest among the groups gnomAD compares: East Asian, 1.2%; no homozygotes.

Submissions (2):

Illumina Laboratory Services, Illumina
Classification: Uncertain significance for Dilated cardiomyopathy 1X. Last evaluated: 2018-01-13. Review status: criteria provided, single submitter. Criteria: ICSL Variant Classification Criteria 13 December 2019. Collection method: clinical testing. Allele origin: germline.

Illumina Laboratory Services, Illumina
Classification: Likely benign for Muscular dystrophy-dystroglycanopathy (congenital with brain and eye anomalies), type A, 4. Last evaluated: 2018-01-13. Review status: criteria provided, single submitter. Criteria: ICSL Variant Classification Criteria 13 December 2019. Collection method: clinical testing. Allele origin: germline.
Comment: This variant was observed in the ICSL laboratory as part of a predisposition screen in an ostensibly healthy population. It had not been previously curated by ICSL or reported in the Human Gene Mutation Database (HGMD: prior to June 1st, 2018), and was therefore a candidate for classification through an automated scoring system. Utilizing variant allele frequency, disease prevalence and penetrance estimates, and inheritance mode, an automated score was calculated to assess if this variant is too frequent to cause the disease. Based on the score and internal cut-off values, a variant classified as likely benign is not then subjected to further curation. The score for this variant resulted in a classification of likely benign for this disease.